The following is an entry in ClinVar:

ClinVar aggregate classification (germline): Conflicting classifications of pathogenicity. Review status: criteria provided, conflicting classifications (1 of 4 stars). 5 submissions from 5 submitters: Likely pathogenic (2); Uncertain significance (3). Last evaluated 2026-02-17.

Conditions:
Maple syrup urine disease type 1A (MSUD1A). Also called: MSUD type 1A. Identifiers: MedGen C1855369, MONDO:0023691, OMIM 248600.
Maple syrup urine disease (MSUD). Identifiers: Orphanet 511, MedGen C0024776, MeSH D008375, MONDO:0009563. Disease mechanism: loss of function.

Allele frequency attached by ClinVar (database versions not stated): gnomAD exomes below 0.00001; TOPMed below 0.00001.
gnomAD v4.1: 5 of 1,614,114 alleles (0.00031%); highest among the groups gnomAD compares: Non-Finnish European, 0.00042%; no homozygotes.

Submissions (5):

Myriad Genetics, Inc.
Classification: Uncertain significance for Maple syrup urine disease type 1A. Last evaluated: 2026-02-17. Review status: criteria provided, single submitter. Criteria: Myriad Autosomal Dominant, Autosomal Recessive and X-Linked Classification Criteria (2023). Collection method: clinical testing. Allele origin: unknown.
Comment: NM_000709.3(BCKDHA):c.485G>A(G162D) is a missense variant classified as a variant of uncertain significance in the context of maple syrup urine disease type Ia. G162D has been observed in cases with relevant disease (PMID: 31980395, 33996492). Relevant functional assessments of this variant are not available in the literature. G162D has been observed in referenced population frequency databases. In summary, there is insufficient evidence to classify NM_000709.3(BCKDHA):c.485G>A(G162D) as pathogenic or benign. Please note: this variant was assessed in the context of healthy population screening.

Natera, Inc.
Classification: Likely pathogenic for Maple syrup urine disease type 1A. Last evaluated: 2024-11-14. Review status: criteria provided, single submitter. Criteria: Natera Variant Classification Schema (03/2026). Collection method: clinical testing. Allele origin: germline.
Comment: The c.485G>A variant in BCKDHA is a missense variant predicted to cause substitution of glycine to aspartic acid at amino acid 162. This variant is rare in the general population with a frequency below the threshold expected for the associated phenotype(s). This variant has been observed in one or more individuals affected with the associated recessive disease, as either homozygous or compound heterozygous with a second variant (PMID: 33996492, 31980395). This variant has been identified in one or more affected individual with a phenotype highly consistent with the associated gene (PMID: 33996492, 31980395). Computational prediction algorithms indicate this variant is likely to affect gene or protein function. Given the available evidence, this variant is classified as Likely Pathogenic.

Fulgent Genetics
Classification: Likely pathogenic for Maple syrup urine disease type 1A. Last evaluated: 2024-06-06. Review status: criteria provided, single submitter. Criteria: ACMG Guidelines, 2015. Collection method: clinical testing. Allele origin: germline.

Women's Health and Genetics/Laboratory Corporation of America, LabCorp
Classification: Uncertain significance. Last evaluated: 2023-12-04. Review status: criteria provided, single submitter. Criteria: LabCorp Variant Classification Summary - May 2015. Collection method: clinical testing. Allele origin: germline.
Comment: Variant summary: BCKDHA c.485G>A (p.Gly162Asp) results in a non-conservative amino acid change located in the Dehydrogenase, E1 component domain (IPR001017) in the first nucleotide of exon 5 adjacent to the intron 4 / exon 5 splice acceptor site of the encoded protein sequence. Consensus agreement among computation tools predict no significant impact on normal splicing. However, these predictions have yet to be confirmed by functional studies. Five of five in-silico tools predict a damaging effect of the variant on protein function. The variant allele was found at a frequency of 4e-06 in 251448 control chromosomes. c.485G>A has been reported in the literature in multiple compound heterozygous individuals affected with classic Maple Syrup Urine Disease (e.g. Guilder_2021, Strauss_2020). These data indicate that the variant may be associated with disease. To our knowledge, no experimental evidence demonstrating an impact on protein function has been reported. The following publications have been ascertained in the context of this evaluation (PMID: 33996492, 31980395). No submitters have cited clinical-significance assessments for this variant to ClinVar after 2014. Based on the evidence outlined above, the variant was classified as VUS-possibly pathogenic.

Labcorp Genetics (formerly Invitae), Labcorp
Classification: Uncertain significance for Maple syrup urine disease. Last evaluated: 2023-10-13. Review status: criteria provided, single submitter. Criteria: Invitae Variant Classification Sherloc (09022015). Collection method: clinical testing. Allele origin: germline.
Comment: This sequence change replaces glycine, which is neutral and non-polar, with aspartic acid, which is acidic and polar, at codon 162 of the BCKDHA protein (p.Gly162Asp). This variant is present in population databases (no rsID available, gnomAD 0.0009%). This missense change has been observed in individual(s) with maple syrup urine disease (PMID: 31980395, 33996492; Invitae). An algorithm developed to predict the effect of missense changes on protein structure and function (PolyPhen-2) suggests that this variant is likely to be disruptive. In summary, the available evidence is currently insufficient to determine the role of this variant in disease. Therefore, it has been classified as a Variant of Uncertain Significance.

Literature cited by the submitters: PubMed 31980395 (cited by 4 submitters); PubMed 33996492 (cited by 4 submitters).

NM_000709.4(BCKDHA):c.485G>A (p.Gly162Asp)

Gene: BCKDHA (branched chain keto acid dehydrogenase E1 subunit alpha; plus strand). Cytogenetic location: 19q13.2.
Variant type: single nucleotide variant.
Coding change: c.485G>A on transcript NM_000709.4 (MANE Select); coding-DNA position 485, G replaced by A.
Protein change: p.Gly162Asp; replaces glycine 162 with aspartic acid.
Molecular consequence: missense variant.
Genome position (GRCh38, 1-based): chr19:41,419,135, G>A. VCF-style: chr19-41419135-G-A. GRCh37 (hg19) VCF-style: chr19-41925040-G-A.
Other names: c.485G>A, p.Gly162Asp (NM_001164783.2); c.485G>A (NM_000709.3); short protein forms G162D.
Identifiers: ClinVar variation 2680113 (VCV002680113.8), dbSNP rs1251140817, ClinGen allele CA406010420.
Genomic context (GRCh38, chr19:41,419,135, plus strand): 5'-AGGGCTGAACTGTCCCCCTGTACTGCCCACTCGGCTAACCATTGCCTCCTCCCCTCCTAG[G>A]TGTGCTGATGTATCGGGACTACCCCCTGGAACTATTCATGGCCCAGTGCTATGGCAACAT-3'
Protein context (NP_000700.1, residues 152-172): DLVFGQYREA[Gly162Asp]VLMYRDYPLE